The following is an entry in ClinVar:

ClinVar aggregate classification (germline): Pathogenic/Likely pathogenic. Review status: criteria provided, multiple submitters, no conflicts (2 of 4 stars). 3 submissions from 3 submitters: Pathogenic (1); Likely pathogenic (2). Last evaluated 2025-07-02.

Conditions:
Hereditary breast ovarian cancer syndrome. Also called: Hereditary breast and ovarian cancer syndrome; BRCA1- and BRCA2-Associated Hereditary Breast and Ovarian Cancer; Hereditary breast and/or ovarian cancer syndrome; Hereditary breast and ovarian cancer; Breast and ovarian cancer; Hereditary breast and ovarian cancer syndrome (HBOC). Identifiers: Orphanet 145, MedGen C0677776, MeSH D061325, MONDO:0003582. Disease mechanism: loss of function.
Breast-ovarian cancer, familial, susceptibility to, 2 (BROVCA2). Also called: BRCA2 Hereditary Breast and Ovarian Cancer. Identifiers: Orphanet 145, MedGen C2675520, MONDO:0012933, OMIM 612555. Disease mechanism: loss of function.

Submissions (3):

Myriad Genetics, Inc.
Classification: Likely pathogenic for Breast-ovarian cancer, familial, susceptibility to, 2. Last evaluated: 2025-07-02. Review status: criteria provided, single submitter. Criteria: Myriad Autosomal Dominant, Autosomal Recessive and X-Linked Classification Criteria (2023). Collection method: clinical testing. Allele origin: unknown.
Comment: This variant is considered likely pathogenic. This variant occurs within a consensus splice junction and is predicted to result in abnormal mRNA splicing of either an out-of-frame exon or an in-frame exon necessary for protein stability and/or normal function.

Labcorp Genetics (formerly Invitae), Labcorp
Classification: Pathogenic for Hereditary breast ovarian cancer syndrome. Last evaluated: 2024-06-17. Review status: criteria provided, single submitter. Criteria: Invitae Variant Classification Sherloc (09022015). Collection method: clinical testing. Allele origin: germline.
Comment: This sequence change affects an acceptor splice site in intron 12 of the BRCA2 gene. It is expected to disrupt RNA splicing. Variants that disrupt the donor or acceptor splice site typically lead to a loss of protein function (PMID: 16199547), and loss-of-function variants in BRCA2 are known to be pathogenic (PMID: 20104584). This variant is not present in population databases (gnomAD no frequency). This variant has not been reported in the literature in individuals affected with BRCA2-related conditions. ClinVar contains an entry for this variant (Variation ID: 945580). Based on a multifactorial likelihood algorithm using genetic, in silico, and/or statistical data, this variant has been determined to have a high probability of being pathogenic (PMID: 31131967). Algorithms developed to predict the effect of sequence changes on RNA splicing suggest that this variant may disrupt the consensus splice site. For these reasons, this variant has been classified as Pathogenic.

Revvity Omics, Revvity
Classification: Likely pathogenic. Last evaluated: 2021-12-20. Review status: criteria provided, single submitter. Criteria: ACMG Guidelines, 2015. Collection method: clinical testing. Allele origin: germline.

Literature cited by the submitters: PubMed 16199547 (cited by Labcorp Genetics (formerly Invitae), Labcorp); PubMed 20104584 (cited by Labcorp Genetics (formerly Invitae), Labcorp); PubMed 31131967 (cited by Labcorp Genetics (formerly Invitae), Labcorp).

NM_000059.4(BRCA2):c.6938-1G>C

Gene: BRCA2 (BRCA2 DNA repair associated; plus strand). Cytogenetic location: 13q13.1.
Variant type: single nucleotide variant.
Coding change: c.6938-1G>C on transcript NM_000059.4 (MANE Select); the canonical splice acceptor site of the intron before coding-DNA position 6938, G replaced by C.
Molecular consequence: splice acceptor variant.
Genome position (GRCh38, 1-based): chr13:32,346,826, G>C. VCF-style: chr13-32346826-G-C. GRCh37 (hg19) VCF-style: chr13-32920963-G-C.
Other names: c.6938-1G>C (NM_001406720.1); c.6842-1G>C (NM_001406719.1); c.2006-1G>C (NM_001406721.1); c.521-1G>C (NM_001406722.1).
Identifiers: ClinVar variation 945580 (VCV000945580.12), dbSNP rs886040936, ClinGen allele CA387792964.
Genomic context (GRCh38, chr13:32,346,826, plus strand): 5'-AGTAACATGGATATTCTCTTAGATTTTAACTAATATGTAATATAAAATAATTGTTTCCTA[G>C]GCACAATAAAAGATCGAAGATTGTTTATGCATCATGTTTCTTTAGAGCCGATTACCTGTG-3'